The following is an entry in ClinVar:

NM_001025616.3(ARHGAP24):c.1746C>A (p.Asp582Glu)

Gene: ARHGAP24 (Rho GTPase activating protein 24; plus strand). Cytogenetic location: 4q21.23.
Variant type: single nucleotide variant.
Coding change: c.1746C>A on transcript NM_001025616.3 (MANE Select); coding-DNA position 1746, C replaced by A.
Protein change: p.Asp582Glu; replaces aspartic acid 582 with glutamic acid.
Molecular consequence: missense variant.
Genome position (GRCh38, 1-based): chr4:85,995,400, C>A. VCF-style: chr4-85995400-C-A. GRCh37 (hg19) VCF-style: chr4-86916553-C-A.
Other names: c.1461C>A, p.Asp487Glu (NM_001042669.2); c.1491C>A, p.Asp497Glu (NM_001287805.2); c.1167C>A, p.Asp389Glu (NM_001346093.2); c.1467C>A, p.Asp489Glu (NM_031305.3); short protein forms D497E, D582E, D489E, D389E, D487E.
Identifiers: ClinVar variation 2983711 (VCV002983711.3), dbSNP rs995459146, ClinGen allele CA100736798.

ClinVar aggregate classification (germline): Uncertain significance (1 of 4 stars; one submission).

Allele frequency attached by ClinVar (database versions not stated): TOPMed below 0.00001.
gnomAD v4.1: 2 of 1,613,098 alleles (0.00012%); highest among the groups gnomAD compares: Admixed American, 0.0033%; no homozygotes.

Submission:

Labcorp Genetics (formerly Invitae), Labcorp
Classification: Uncertain significance. Last evaluated: 2023-08-09. Review status: criteria provided, single submitter. Criteria: Invitae Variant Classification Sherloc (09022015). Collection method: clinical testing. Allele origin: germline.
Comment: This variant is present in population databases (no rsID available, gnomAD 0.003%). In summary, the available evidence is currently insufficient to determine the role of this variant in disease. Therefore, it has been classified as a Variant of Uncertain Significance. An algorithm developed to predict the effect of missense changes on protein structure and function (PolyPhen-2) suggests that this variant is likely to be tolerated. This variant has not been reported in the literature in individuals affected with ARHGAP24-related conditions. This sequence change replaces aspartic acid, which is acidic and polar, with glutamic acid, which is acidic and polar, at codon 582 of the ARHGAP24 protein (p.Asp582Glu).